The following is an entry in ClinVar:

ClinVar aggregate classification (germline): Uncertain significance (1 of 4 stars; one submission).

Conditions:
Ataxia-telangiectasia syndrome (AT). Also called: ATAXIA-TELANGIECTASIA, COMPLEMENTATION GROUP A; ATAXIA-TELANGIECTASIA, FRESNO VARIANT; Ataxia-telangiectasia; LOUIS-BAR SYNDROME; Cerebello-oculocutaneous telangiectasia; Immunodeficiency with ataxia telangiectasia. Identifiers: Orphanet 100, MedGen C0004135, MONDO:0008840, OMIM 208900.

Submission:

Labcorp Genetics (formerly Invitae), Labcorp
Classification: Uncertain significance for Ataxia-telangiectasia syndrome. Last evaluated: 2025-04-17. Review status: criteria provided, single submitter. Criteria: Invitae Variant Classification Sherloc (09022015). Collection method: clinical testing. Allele origin: germline.
Comment: This variant, c.2406_2414del, is a complex sequence change that results in the deletion of 4 and insertion of 1 amino acid(s) in the ATM protein (p.Phe802_Arg805delinsLeu). This variant is not present in population databases (gnomAD no frequency). This variant has not been reported in the literature in individuals affected with ATM-related conditions. Algorithms developed to predict the effect of sequence changes on RNA splicing suggest that this variant may disrupt the consensus splice site. In summary, the available evidence is currently insufficient to determine the role of this variant in disease. Therefore, it has been classified as a Variant of Uncertain Significance.

NM_000051.4(ATM):c.2406_2414del (p.Phe802_Arg805delinsLeu)

Gene: ATM (ATM serine/threonine kinase; plus strand). Cytogenetic location: 11q22.3.
Variant type: Deletion.
Coding change: c.2406_2414del on transcript NM_000051.4 (MANE Select); coding-DNA positions 2406 to 2414, 9 bases deleted (TTTCCTGCG; older notation c.2406_2414delTTTCCTGCG).
Protein change: p.Phe802_Arg805delinsLeu.
Molecular consequence: inframe indel.
Genome position (GRCh38, 1-based): chr11:108,259,015-108,259,023, TTTCCTGCG deleted. VCF-style (leftmost placement, unchanged base first): chr11-108259014-TTTTCCTGCG-T. GRCh37 (hg19) VCF-style: chr11-108129741-TTTTCCTGCG-T.
Other names: c.2406_2414del, p.Phe802_Arg805delinsLeu (NM_001351834.2).
Identifiers: ClinVar variation 4717602 (VCV004717602.1).